The following is an entry in ClinVar:

ClinVar aggregate classification (germline): Uncertain significance (1 of 4 stars; one submission).

Submission:

Labcorp Genetics (formerly Invitae), Labcorp
Classification: Uncertain significance. Last evaluated: 2022-12-29. Review status: criteria provided, single submitter. Criteria: Invitae Variant Classification Sherloc (09022015). Collection method: clinical testing. Allele origin: germline.
Comment: In summary, the available evidence is currently insufficient to determine the role of this variant in disease. Therefore, it has been classified as a Variant of Uncertain Significance. Advanced modeling of protein sequence and biophysical properties (such as structural, functional, and spatial information, amino acid conservation, physicochemical variation, residue mobility, and thermodynamic stability) performed at Invitae indicates that this missense variant is not expected to disrupt DEAF1 protein function. This variant has not been reported in the literature in individuals affected with DEAF1-related conditions. This variant is not present in population databases (gnomAD no frequency). This sequence change replaces tyrosine, which is neutral and polar, with phenylalanine, which is neutral and non-polar, at codon 483 of the DEAF1 protein (p.Tyr483Phe).

NM_021008.4(DEAF1):c.1448A>T (p.Tyr483Phe)

Genes: DEAF1 (DEAF1 transcription factor; minus strand), LOC126861109 (BRD4-independent group 4 enhancer GRCh37_chr11:673917-675116; plus strand). Cytogenetic location: 11p15.5.
Variant type: single nucleotide variant.
Coding change: c.1448A>T on transcript NM_021008.4 (MANE Select); coding-DNA position 1448, A replaced by T.
Protein change: p.Tyr483Phe; replaces tyrosine 483 with phenylalanine.
Molecular consequence: missense variant.
Genome position (GRCh38, 1-based): chr11:674,591, T>A on the plus strand (A>T on the coding strand, the complement: DEAF1 is on the minus strand). VCF-style: chr11-674591-T-A. GRCh37 (hg19) VCF-style: chr11-674591-T-A.
Other names: c.1181A>T, p.Tyr394Phe (NM_001293634.2); c.722A>T, p.Tyr241Phe (NM_001367390.1); short protein forms Y394F, Y483F, Y241F.
Identifiers: ClinVar variation 2824761 (VCV002824761.3), dbSNP rs2494378725, ClinGen allele CA378923426.